The following is an entry in ClinVar:

NM_002645.4(PIK3C2A):c.4709G>A (p.Arg1570Gln)

Gene: PIK3C2A (phosphatidylinositol-4-phosphate 3-kinase catalytic subunit type 2 alpha; minus strand). Cytogenetic location: 11p15.1.
Variant type: single nucleotide variant.
Coding change: c.4709G>A on transcript NM_002645.4 (MANE Select); coding-DNA position 4709, G replaced by A.
Protein change: p.Arg1570Gln; replaces arginine 1570 with glutamine.
Molecular consequence: missense variant.
Genome position (GRCh38, 1-based): chr11:17,091,590, C>T on the plus strand (G>A on the coding strand, the complement: PIK3C2A is on the minus strand). VCF-style: chr11-17091590-C-T. GRCh37 (hg19) VCF-style: chr11-17113137-C-T.
Other names: c.4709G>A (NM_002645.2); c.4709G>A, p.Arg1570Gln (NM_001321378.2); c.3569G>A, p.Arg1190Gln (NM_001321380.2); c.4541G>A, p.Arg1514Gln (NM_001386870.1); short protein forms R1514Q, R1190Q, R1570Q.
Identifiers: ClinVar variation 1911520 (VCV001911520.6), dbSNP rs778628990, ClinGen allele CA5900457.
Genomic context (GRCh38, chr11:17,091,590, plus strand): 5'-TCTTTGTAATCACTCACAAGATCTTTGATATGCATCACCATGATGAAAAGAGTACCATTT[C>T]GGTAAGAGATGGATAATTTCACAGCTCCTCCTATTTGGCCTGGAGTAGGACTGAAGGAAC-3'
Protein context (NP_002636.2, residues 1560-1580): GGAVKLSISY[Arg1570Gln]NGTLFIMVMH

ClinVar aggregate classification (germline): Uncertain significance. Review status: criteria provided, multiple submitters, no conflicts (2 of 4 stars). 2 submissions from 2 submitters: Uncertain significance (2). Last evaluated 2025-05-11.

Allele frequency attached by ClinVar (database versions not stated): gnomAD exomes 0.00002; ExAC 0.00003; gnomAD 0.00003; TOPMed 0.00003.
gnomAD v4.1: 29 of 1,613,310 alleles (0.0018%); highest among the groups gnomAD compares: Middle Eastern, 0.016%; no homozygotes.

Submissions (2):

Ambry Genetics
Classification: Uncertain significance. Last evaluated: 2025-05-11. Review status: criteria provided, single submitter. Criteria: Ambry Variant Classification Scheme 2023. Collection method: clinical testing. Allele origin: germline.

Labcorp Genetics (formerly Invitae), Labcorp
Classification: Uncertain significance. Last evaluated: 2022-07-19. Review status: criteria provided, single submitter. Criteria: Invitae Variant Classification Sherloc (09022015). Collection method: clinical testing. Allele origin: germline.
Comment: In summary, the available evidence is currently insufficient to determine the role of this variant in disease. Therefore, it has been classified as a Variant of Uncertain Significance. Algorithms developed to predict the effect of sequence changes on RNA splicing suggest that this variant may disrupt the consensus splice site. Algorithms developed to predict the effect of missense changes on protein structure and function are either unavailable or do not agree on the potential impact of this missense change (SIFT: "Not Available"; PolyPhen-2: "Probably Damaging"; Align-GVGD: "Not Available"). This variant has not been reported in the literature in individuals affected with PIK3C2A-related conditions. This variant is present in population databases (rs778628990, gnomAD 0.01%). This sequence change replaces arginine, which is basic and polar, with glutamine, which is neutral and polar, at codon 1570 of the PIK3C2A protein (p.Arg1570Gln).